The following is an entry in ClinVar:

ClinVar aggregate classification (germline): Uncertain significance (0 of 4 stars; one submission).

Submission:

Leiden Open Variation Database
Classification: Uncertain significance. Last evaluated: 2020-02-28. Review status: no assertion criteria provided. Collection method: curation. Allele origin: germline. Affected: yes.
Comment: Curator: Arleen D. Auerbach. Submitter to LOVD: Daniela Pilonetto.

NM_000136.3(FANCC):c.388delinsAAAA (p.Glu130delinsLysLys)

Gene: FANCC (FA complementation group C; minus strand). Cytogenetic location: 9q22.32.
Variant type: Indel.
Coding change: c.388delinsAAAA on transcript NM_000136.3 (MANE Select); coding-DNA position 388, G replaced by AAAA.
Protein change: p.Glu130delinsLysLys.
Molecular consequence: inframe indel.
Genome position (GRCh38, 1-based): chr9:95,172,105, C replaced by TTTT on the plus strand (G replaced by AAAA on the coding strand, the reverse complement: FANCC is on the minus strand). VCF-style: chr9-95172105-C-TTTT. GRCh37 (hg19) VCF-style: chr9-97934387-C-TTTT.
Other names: c.388delinsAAAA, p.Glu130delinsLysLys (NM_001243743.2, NM_001243744.2).
Identifiers: ClinVar variation 929798 (VCV000929798.1), dbSNP rs1825721625, ClinGen allele CA1139661056.